The following is an entry in ClinVar:

NM_013382.7(POMT2):c.2147+5G>C

Gene: POMT2 (protein O-mannosyltransferase 2; minus strand). Cytogenetic location: 14q24.3.
Variant type: single nucleotide variant.
Coding change: c.2147+5G>C on transcript NM_013382.7 (MANE Select); 5 bases into the intron after coding-DNA position 2147, G replaced by C.
Molecular consequence: intron variant.
Genome position (GRCh38, 1-based): chr14:77,278,389, C>G on the plus strand (G>C on the coding strand, the complement: POMT2 is on the minus strand). VCF-style: chr14-77278389-C-G. GRCh37 (hg19) VCF-style: chr14-77744732-C-G.
Identifiers: ClinVar variation 1016482 (VCV001016482.7), dbSNP rs1360206873, ClinGen allele CA708706431.

ClinVar aggregate classification (germline): Uncertain significance (1 of 4 stars; one submission).

Conditions:
Muscular dystrophy-dystroglycanopathy (congenital with brain and eye anomalies), type A2. Also called: MUSCULAR DYSTROPHY-DYSTROGLYCANOPATHY (CONGENITAL WITH BRAIN AND EYE ANOMALIES), TYPE A, 2; WALKER-WARBURG SYNDROME OR MUSCLE-EYE-BRAIN DISEASE, POMT2-RELATED. Identifiers: Orphanet 588, Orphanet 899, MedGen C3150411, MONDO:0013154, OMIM 613150.
Muscular dystrophy-dystroglycanopathy (congenital with impaired intellectual development), type B, 2. Also called: MUSCULAR DYSTROPHY, CONGENITAL, POMT2-RELATED; Muscular dystrophy-dystroglycanopathy (congenital with intellectual disability), type B2. Identifiers: MedGen C3150416, MONDO:0013160, OMIM 613156.
Autosomal recessive limb-girdle muscular dystrophy type 2N. Also called: Muscular dystrophy-dystroglycanopathy (limb-girdle), type C, 2; MUSCULAR DYSTROPHY-DYSTROGLYCANOPATHY, LIMB-GIRDLE, POMT2-RELATED. Identifiers: Orphanet 206559, MedGen C3150418, MONDO:0013162, OMIM 613158.

Allele frequency attached by ClinVar (database versions not stated): TOPMed 0.00002; gnomAD 0.00001.
gnomAD v4.1: 2 of 1,460,610 alleles (0.00014%); highest among the groups gnomAD compares: African/African-American, 0.0028%; no homozygotes.

Submission:

Labcorp Genetics (formerly Invitae), Labcorp
Classification: Uncertain significance for Muscular dystrophy-dystroglycanopathy (congenital with impaired intellectual development), type B, 2; Muscular dystrophy-dystroglycanopathy (congenital with brain and eye anomalies), type A2; Autosomal recessive limb-girdle muscular dystrophy type 2N. Last evaluated: 2022-09-01. Review status: criteria provided, single submitter. Criteria: Invitae Variant Classification Sherloc (09022015). Collection method: clinical testing. Allele origin: germline.
Comment: This sequence change falls in intron 20 of the POMT2 gene. It does not directly change the encoded amino acid sequence of the POMT2 protein. It affects a nucleotide within the consensus splice site. In summary, the available evidence is currently insufficient to determine the role of this variant in disease. Therefore, it has been classified as a Variant of Uncertain Significance. Variants that disrupt the consensus splice site are a relatively common cause of aberrant splicing (PMID: 17576681, 9536098). Algorithms developed to predict the effect of sequence changes on RNA splicing suggest that this variant may disrupt the consensus splice site. ClinVar contains an entry for this variant (Variation ID: 1016482). This variant has not been reported in the literature in individuals affected with POMT2-related conditions. This variant is not present in population databases (gnomAD no frequency).

Literature cited by the submitters: PubMed 17576681; PubMed 9536098.